The following is an entry in ClinVar:

ClinVar aggregate classification (germline): Conflicting classifications of pathogenicity. Review status: criteria provided, conflicting classifications (1 of 4 stars). 3 submissions from 3 submitters: Uncertain significance (1); Benign (1); Likely benign (1). Last evaluated 2025-07-09.

Conditions:
Retinitis pigmentosa (RP). Identifiers: Orphanet 791, MedGen C0035334, MeSH D012174, MONDO:0019200, OMIM 268000. Inheritance: Autosomal dominant, autosomal recessive and X linked inheritance.
Retinal dystrophy. Also called: Inherited retinal dystrophy. Identifiers: Orphanet 71862, MedGen C0854723, MeSH D058499, MONDO:0019118, HP:0000556.

Allele frequency attached by ClinVar (database versions not stated): gnomAD 0.00005 and 0.00002; gnomAD exomes 0.00009 and 0.00016; ExAC 0.00012; 1000 Genomes Project 30x 0.00047; 1000 Genomes Project 0.00060; TOPMed 0.00002.
gnomAD v4.1: 230 of 1,614,156 alleles (0.014%); highest among the groups gnomAD compares: East Asian, 0.51%; 2 homozygotes.

Submissions (3):

Labcorp Genetics (formerly Invitae), Labcorp
Classification: Uncertain significance. Last evaluated: 2025-07-09. Review status: criteria provided, single submitter. Criteria: Invitae Variant Classification Sherloc (09022015). Collection method: clinical testing. Allele origin: germline.
Comment: This sequence change replaces leucine, which is neutral and non-polar, with serine, which is neutral and polar, at codon 141 of the ROM1 protein (p.Leu141Ser). This variant is present in population databases (rs190642059, gnomAD 0.1%), and has an allele count higher than expected for a pathogenic variant. This variant has not been reported in the literature in individuals affected with ROM1-related conditions. ClinVar contains an entry for this variant (Variation ID: 879373). Invitae Evidence Modeling of protein sequence and biophysical properties (such as structural, functional, and spatial information, amino acid conservation, physicochemical variation, residue mobility, and thermodynamic stability) indicates that this missense variant is not expected to disrupt ROM1 protein function with a negative predictive value of 80%. In summary, the available evidence is currently insufficient to determine the role of this variant in disease. Therefore, it has been classified as a Variant of Uncertain Significance.

Dept Of Ophthalmology, Nagoya University
Classification: Benign for Retinal dystrophy. Last evaluated: 2023-10-01. Review status: criteria provided, single submitter. Criteria: Submitter's publication. Collection method: research. Allele origin: germline. Affected: yes.

Illumina Laboratory Services, Illumina
Classification: Likely benign for Retinitis pigmentosa. Last evaluated: 2018-01-12. Review status: criteria provided, single submitter. Criteria: ICSL Variant Classification Criteria 13 December 2019. Collection method: clinical testing. Allele origin: germline.
Comment: This variant was observed in the ICSL laboratory as part of a predisposition screen in an ostensibly healthy population. It had not been previously curated by ICSL or reported in the Human Gene Mutation Database (HGMD: prior to June 1st, 2018), and was therefore a candidate for classification through an automated scoring system. Utilizing variant allele frequency, disease prevalence and penetrance estimates, and inheritance mode, an automated score was calculated to assess if this variant is too frequent to cause the disease. Based on the score and internal cut-off values, a variant classified as likely benign is not then subjected to further curation. The score for this variant resulted in a classification of likely benign for this disease.

NM_000327.4(ROM1):c.422T>C (p.Leu141Ser)

Gene: ROM1 (retinal outer segment membrane protein 1; plus strand). Cytogenetic location: 11q12.3.
Variant type: single nucleotide variant.
Coding change: c.422T>C on transcript NM_000327.4 (MANE Select); coding-DNA position 422, T replaced by C.
Protein change: p.Leu141Ser; replaces leucine 141 with serine.
Molecular consequence: missense variant.
Genome position (GRCh38, 1-based): chr11:62,613,703, T>C. VCF-style: chr11-62613703-T-C. GRCh37 (hg19) VCF-style: chr11-62381175-T-C.
Other names: short protein forms L141S.
Identifiers: ClinVar variation 879373 (VCV000879373.12), dbSNP rs190642059, ClinGen allele CA6049738.